The following is an entry in ClinVar:

NM_003482.4(KMT2D):c.13856C>T (p.Pro4619Leu)

Gene: KMT2D (lysine methyltransferase 2D; minus strand). Cytogenetic location: 12q13.12.
Variant type: single nucleotide variant.
Coding change: c.13856C>T on transcript NM_003482.4 (MANE Select); coding-DNA position 13856, C replaced by T.
Protein change: p.Pro4619Leu; replaces proline 4619 with leucine.
Molecular consequence: missense variant.
Genome position (GRCh38, 1-based): chr12:49,030,423, G>A on the plus strand (C>T on the coding strand, the complement: KMT2D is on the minus strand). VCF-style: chr12-49030423-G-A. GRCh37 (hg19) VCF-style: chr12-49424206-G-A.
Other names: short protein forms P4619L.
Identifiers: ClinVar variation 4781986 (VCV004781986.1).

ClinVar aggregate classification (germline): Uncertain significance (1 of 4 stars; one submission).

Conditions:
Kabuki syndrome. Also called: NIIKAWA-KUROKI SYNDROME; Kabuki make-up syndrome. Identifiers: Orphanet 2322, MedGen C0796004, MONDO:0016512.

Submission:

Labcorp Genetics (formerly Invitae), Labcorp
Classification: Uncertain significance for Kabuki syndrome. Last evaluated: 2025-08-09. Review status: criteria provided, single submitter. Criteria: Invitae Variant Classification Sherloc (09022015). Collection method: clinical testing. Allele origin: germline.
Comment: This sequence change replaces proline, which is neutral and non-polar, with leucine, which is neutral and non-polar, at codon 4619 of the KMT2D protein (p.Pro4619Leu). This variant is not present in population databases (gnomAD no frequency). This variant has not been reported in the literature in individuals affected with KMT2D-related conditions. Invitae Evidence Modeling of protein sequence and biophysical properties (such as structural, functional, and spatial information, amino acid conservation, physicochemical variation, residue mobility, and thermodynamic stability) indicates that this missense variant is expected to disrupt KMT2D protein function with a positive predictive value of 95%. In summary, the available evidence is currently insufficient to determine the role of this variant in disease. Therefore, it has been classified as a Variant of Uncertain Significance.